The following is an entry in ClinVar:

NM_152383.5(DIS3L2):c.986T>A (p.Ile329Asn)

Gene: DIS3L2 (DIS3 like 3'-5' exoribonuclease 2; plus strand). Cytogenetic location: 2q37.1.
Variant type: single nucleotide variant.
Coding change: c.986T>A on transcript NM_152383.5 (MANE Select); coding-DNA position 986, T replaced by A.
Protein change: p.Ile329Asn; replaces isoleucine 329 with asparagine.
Molecular consequence: missense variant. On other transcripts: non-coding transcript variant (2).
Genome position (GRCh38, 1-based): chr2:232,163,494, T>A. VCF-style: chr2-232163494-T-A. GRCh37 (hg19) VCF-style: chr2-233028204-T-A.
Other names: c.986T>A, p.Ile329Asn (NM_001257281.2); short protein forms I329N.
Identifiers: ClinVar variation 1036727 (VCV001036727.9), dbSNP rs1690714963, ClinGen allele CA351154230.

ClinVar aggregate classification (germline): Uncertain significance (1 of 4 stars; one submission).

Conditions:
Perlman syndrome (PRLMNS). Identifiers: Orphanet 2849, MedGen C0796113, MONDO:0009965, OMIM 267000.

Submission:

Labcorp Genetics (formerly Invitae), Labcorp
Classification: Uncertain significance for Perlman syndrome. Last evaluated: 2020-02-26. Review status: criteria provided, single submitter. Criteria: Invitae Variant Classification Sherloc (09022015). Collection method: clinical testing. Allele origin: germline.
Comment: In summary, the available evidence is currently insufficient to determine the role of this variant in disease. Therefore, it has been classified as a Variant of Uncertain Significance. Algorithms developed to predict the effect of missense changes on protein structure and function are either unavailable or do not agree on the potential impact of this missense change (SIFT: "Deleterious"; PolyPhen-2: "Probably Damaging"; Align-GVGD: "Class C0"). This variant has not been reported in the literature in individuals with DIS3L2-related conditions. This variant is not present in population databases (ExAC no frequency). This sequence change replaces isoleucine with asparagine at codon 329 of the DIS3L2 protein (p.Ile329Asn). The isoleucine residue is moderately conserved and there is a large physicochemical difference between isoleucine and asparagine.